The following is an entry in ClinVar:

NM_000748.3(CHRNB2):c.34C>T (p.Leu12Phe)

Genes: CHRNB2 (cholinergic receptor nicotinic beta 2 subunit; plus strand), LOC129931511 (ATAC-STARR-seq lymphoblastoid silent region 1363; plus strand). Cytogenetic location: 1q21.3.
Variant type: single nucleotide variant.
Coding change: c.34C>T on transcript NM_000748.3 (MANE Select); coding-DNA position 34, C replaced by T.
Protein change: p.Leu12Phe; replaces leucine 12 with phenylalanine.
Molecular consequence: missense variant.
Genome position (GRCh38, 1-based): chr1:154,568,078, C>T. VCF-style: chr1-154568078-C-T. GRCh37 (hg19) VCF-style: chr1-154540554-C-T.
Other names: short protein forms L12F.
Identifiers: ClinVar variation 3606807 (VCV003606807.2).

ClinVar aggregate classification (germline): Uncertain significance (1 of 4 stars; one submission).

Conditions:
Familial sleep-related hypermotor epilepsy. Also called: Autosomal Dominant Sleep-Related Hypermotor (Hyperkinetic) Epilepsy. Identifiers: Orphanet 98784, MedGen C3696898, MONDO:0000030.

Submission:

Labcorp Genetics (formerly Invitae), Labcorp
Classification: Uncertain significance. Last evaluated: 2024-02-17. Review status: criteria provided, single submitter. Criteria: Invitae Variant Classification Sherloc (09022015). Collection method: clinical testing. Allele origin: germline.
Comment: This sequence change replaces leucine, which is neutral and non-polar, with phenylalanine, which is neutral and non-polar, at codon 12 of the CHRNB2 protein (p.Leu12Phe). This variant is not present in population databases (gnomAD no frequency). This variant has not been reported in the literature in individuals affected with CHRNB2-related conditions. Advanced modeling of protein sequence and biophysical properties (such as structural, functional, and spatial information, amino acid conservation, physicochemical variation, residue mobility, and thermodynamic stability) performed at Invitae indicates that this missense variant is not expected to disrupt CHRNB2 protein function with a negative predictive value of 95%. In summary, the available evidence is currently insufficient to determine the role of this variant in disease. Therefore, it has been classified as a Variant of Uncertain Significance.